The following is an entry in ClinVar:

NM_001365480.1(CCDC88A):c.1517del (p.Lys506fs)

Gene: CCDC88A (coiled-coil and HOOK domain protein 88A; minus strand). Cytogenetic location: 2p16.1.
Variant type: Deletion.
Coding change: c.1517del on transcript NM_001365480.1 (MANE Select); coding-DNA position 1517, one base deleted (A; older notation c.1517delA).
Protein change: p.Lys506fs; shifts the reading frame from lysine 506.
Molecular consequence: frameshift variant.
Genome position (GRCh38, 1-based): chr2:55,339,465, T deleted on the plus strand (A on the coding strand, the reverse complement: CCDC88A is on the minus strand); the first of 5 consecutive T bases (chr2:55,339,465-55,339,469); deleting any one gives the same sequence. VCF-style (leftmost placement, unchanged base first): chr2-55339464-CT-C. GRCh37 (hg19) VCF-style: chr2-55566600-CT-C.
Other names: c.1517del, p.Lys506fs (NM_001135597.2, NM_001254943.2, NM_018084.5); short protein forms K506fs.
Identifiers: ClinVar variation 2035420 (VCV002035420.4), dbSNP rs2544851865, ClinGen allele CA2580067391.

ClinVar aggregate classification (germline): Pathogenic (1 of 4 stars; one submission).

Submission:

Labcorp Genetics (formerly Invitae), Labcorp
Classification: Pathogenic. Last evaluated: 2022-10-13. Review status: criteria provided, single submitter. Criteria: Invitae Variant Classification Sherloc (09022015). Collection method: clinical testing. Allele origin: germline.
Comment: For these reasons, this variant has been classified as Pathogenic. This variant has not been reported in the literature in individuals affected with CCDC88A-related conditions. This variant is not present in population databases (gnomAD no frequency). This sequence change creates a premature translational stop signal (p.Lys506Argfs*22) in the CCDC88A gene. It is expected to result in an absent or disrupted protein product. Loss-of-function variants in CCDC88A are known to be pathogenic (PMID: 26917597, 30392057).

Literature cited by the submitters: PubMed 26917597; PubMed 30392057.